The following is an entry in ClinVar:

ClinVar aggregate classification (germline): Uncertain significance (1 of 4 stars; one submission).

Allele frequency attached by ClinVar (database versions not stated): gnomAD exomes 0.00001.
gnomAD v4.1: 4 of 1,593,806 alleles (0.00025%); highest among the groups gnomAD compares: South Asian, 0.0022%; 1 homozygote.

Submission:

Labcorp Genetics (formerly Invitae), Labcorp
Classification: Uncertain significance. Last evaluated: 2021-02-01. Review status: criteria provided, single submitter. Criteria: Invitae Variant Classification Sherloc (09022015). Collection method: clinical testing. Allele origin: germline.
Comment: This sequence change replaces isoleucine with threonine at codon 502 of the MTHFD1 protein (p.Ile502Thr). The isoleucine residue is highly conserved and there is a moderate physicochemical difference between isoleucine and threonine. This variant is not present in population databases (ExAC no frequency). This variant has not been reported in the literature in individuals with MTHFD1-related conditions. Algorithms developed to predict the effect of missense changes on protein structure and function are either unavailable or do not agree on the potential impact of this missense change (SIFT: "Deleterious"; PolyPhen-2: "Benign"; Align-GVGD: "Class C0"). In summary, the available evidence is currently insufficient to determine the role of this variant in disease. Therefore, it has been classified as a Variant of Uncertain Significance.

NM_005956.4(MTHFD1):c.1505T>C (p.Ile502Thr)

Gene: MTHFD1 (methylenetetrahydrofolate dehydrogenase, cyclohydrolase and formyltetrahydrofolate synthetase 1; plus strand). Cytogenetic location: 14q23.3.
Variant type: single nucleotide variant.
Coding change: c.1505T>C on transcript NM_005956.4 (MANE Select); coding-DNA position 1505, T replaced by C.
Protein change: p.Ile502Thr; replaces isoleucine 502 with threonine.
Molecular consequence: missense variant.
Genome position (GRCh38, 1-based): chr14:64,435,579, T>C. VCF-style: chr14-64435579-T-C. GRCh37 (hg19) VCF-style: chr14-64902297-T-C.
Other names: c.1505T>C, p.Ile502Thr (NM_001364837.1); short protein forms I502T.
Identifiers: ClinVar variation 1471619 (VCV001471619.7), dbSNP rs2140971192, ClinGen allele CA389993324.